The following is an entry in ClinVar:

NM_000492.4(CFTR):c.4358_4362del (p.Arg1453fs)

Genes: CFTR (CF transmembrane conductance regulator; plus strand), LOC111674477 (CFTR intron 23 enhancer; plus strand). Cytogenetic location: 7q31.2.
Variant type: Deletion.
Coding change: c.4358_4362del on transcript NM_000492.4 (MANE Select); coding-DNA positions 4358 to 4362, 5 bases deleted (GGAAC; older notation c.4358_4362delGGAAC).
Protein change: p.Arg1453fs; shifts the reading frame from arginine 1453.
Molecular consequence: frameshift variant.
Genome position (GRCh38, 1-based): chr7:117,667,023-117,667,027, GGAAC deleted; deleting any 5 consecutive bases within chr7:117,667,022-117,667,027 gives the same sequence; the c. name uses the placement nearest the transcript's 3' end. VCF-style (leftmost placement, unchanged base first): chr7-117667021-CCGGAA-C. GRCh37 (hg19) VCF-style: chr7-117307075-CCGGAA-C.
Other names: c.4358_4362delGGAAC, p.Arg1453Leufs (NM_000492.3); short protein forms R1453fs.
Identifiers: ClinVar variation 4064523 (VCV004064523.2).

ClinVar aggregate classification (germline): Likely pathogenic (1 of 4 stars; one submission).

Conditions:
CFTR-related disorder (CFTR-RD). Also called: CFTR-related disorders; CFTR-related condition. Identifiers: MedGen C5924204, MONDO:7770004.

Submission:

Natera, Inc.
Classification: Likely pathogenic for CFTR-related disorders. Last evaluated: 2025-03-23. Review status: criteria provided, single submitter. Criteria: Natera Variant Classification Schema (03/2026). Collection method: clinical testing. Allele origin: germline.
Comment: The c.4358_4362del variant in CFTR is a frameshift variant predicted to shift the reading frame beginning at codon 1453 and leads to a stop codon 7 codons downstream. This variant is expected to result in nonsense mediated decay, truncation, or a dysfunctional protein product. This variant is rare in the general population with a frequency below the threshold expected for the associated phenotype(s). Given the available evidence, this variant is classified as Likely Pathogenic.